The following is an entry in ClinVar:

ClinVar aggregate classification (germline): Uncertain significance. Review status: criteria provided, multiple submitters, no conflicts (2 of 4 stars). 5 submissions from 5 submitters: Uncertain significance (5). Last evaluated 2024-04-15.

Conditions:
Hereditary cancer-predisposing syndrome. Also called: Hereditary neoplastic syndrome; Neoplastic Syndromes, Hereditary; Tumor predisposition; Hereditary Cancer Syndrome. Identifiers: Orphanet 140162, MedGen C0027672, MeSH D009386, MONDO:0015356.
Aplastic anemia. Identifiers: Orphanet 182040, Orphanet 88, MedGen C0002874, MONDO:0015909, OMIM 609135, HP:0001915.
Microcephaly, normal intelligence and immunodeficiency (NBS). Also called: IMMUNODEFICIENCY, MICROCEPHALY, AND CHROMOSOMAL INSTABILITY; SEEMANOVA SYNDROME II; Nijmegen breakage syndrome; Microcephaly with normal intelligence immunodeficiency and lymphoreticular malignancies; Nonsyndromal microcephaly autosomal recessive with normal intelligence; Seemanova syndrome 2. Identifiers: Orphanet 647, MedGen C0398791, MONDO:0009623, OMIM 251260.

Allele frequency attached by ClinVar (database versions not stated): gnomAD exomes below 0.00001; TOPMed below 0.00001.
gnomAD v4.1: 2 of 1,614,042 alleles (0.00012%); highest among the groups gnomAD compares: Non-Finnish European, 0.00017%; no homozygotes.

Submissions (5):

Labcorp Genetics (formerly Invitae), Labcorp
Classification: Uncertain significance for Microcephaly, normal intelligence and immunodeficiency. Last evaluated: 2024-04-15. Review status: criteria provided, single submitter. Criteria: Invitae Variant Classification Sherloc (09022015). Collection method: clinical testing. Allele origin: germline.
Comment: This sequence change replaces methionine, which is neutral and non-polar, with leucine, which is neutral and non-polar, at codon 83 of the NBN protein (p.Met83Leu). This variant is present in population databases (no rsID available, gnomAD 0.0009%). This variant has not been reported in the literature in individuals affected with NBN-related conditions. ClinVar contains an entry for this variant (Variation ID: 483961). An algorithm developed to predict the effect of missense changes on protein structure and function (PolyPhen-2) suggests that this variant¬†is likely to be tolerated. In summary, the available evidence is currently insufficient to determine the role of this variant in disease. Therefore, it has been classified as a Variant of Uncertain Significance.

Ambry Genetics
Classification: Uncertain significance for Hereditary cancer-predisposing syndrome. Last evaluated: 2023-07-17. Review status: criteria provided, single submitter. Criteria: Ambry Variant Classification Scheme 2023. Collection method: clinical testing. Allele origin: germline.
Comment: The p.M83L variant (also known as c.247A>T), located in coding exon 3 of the NBN gene, results from an A to T substitution at nucleotide position 247. The methionine at codon 83 is replaced by leucine, an amino acid with highly similar properties. This amino acid position is not well conserved in available vertebrate species. In addition, this alteration is predicted to be tolerated by in silico analysis. Since supporting evidence is limited at this time, the clinical significance of this alteration remains unclear.

Baylor Genetics
Classification: Uncertain significance for Aplastic anemia. Last evaluated: 2023-07-06. Review status: criteria provided, single submitter. Criteria: ACMG Guidelines, 2015. Collection method: clinical testing. Allele origin: unknown.

GeneDx
Classification: Uncertain significance. Last evaluated: 2023-02-15. Review status: criteria provided, single submitter. Criteria: GeneDx Variant Classification Process June 2021. Collection method: clinical testing. Allele origin: germline. Affected: yes.
Comment: Not observed at significant frequency in large population cohorts (gnomAD); In silico analysis supports that this missense variant does not alter protein structure/function; Has not been previously published as pathogenic or benign to our knowledge; This variant is associated with the following publications: (PMID: 24894818)

Genome-Nilou Lab
Classification: Uncertain significance for Microcephaly, normal intelligence and immunodeficiency. Last evaluated: 2021-11-07. Review status: criteria provided, single submitter. Criteria: ACMG Guidelines, 2015. Collection method: clinical testing. Allele origin: germline. Affected: no.

NM_002485.5(NBN):c.247A>T (p.Met83Leu)

Gene: NBN (nibrin; minus strand). Cytogenetic location: 8q21.3.
Variant type: single nucleotide variant.
Coding change: c.247A>T on transcript NM_002485.5 (MANE Select); coding-DNA position 247, A replaced by T.
Protein change: p.Met83Leu; replaces methionine 83 with leucine.
Molecular consequence: missense variant. On other transcripts: initiator codon variant (1).
Genome position (GRCh38, 1-based): chr8:89,981,448, T>A on the plus strand (A>T on the coding strand, the complement: NBN is on the minus strand). VCF-style: chr8-89981448-T-A. GRCh37 (hg19) VCF-style: chr8-90993676-T-A.
Other names: c.1A>T, p.Met1Leu (NM_001024688.3); short protein forms M83L, M1L.
Identifiers: ClinVar variation 483961 (VCV000483961.19), dbSNP rs955258267, ClinGen allele CA181280588.